The following is an entry in ClinVar:

ClinVar aggregate classification (germline): Uncertain significance. Review status: criteria provided, multiple submitters, no conflicts (2 of 4 stars). 2 submissions from 2 submitters: Uncertain significance (2). Last evaluated 2024-09-23.

Conditions:
Cardiovascular phenotype. Identifiers: MedGen CN230736.
Primary familial hypertrophic cardiomyopathy (HCM). Identifiers: Orphanet 99739, MedGen C0949658, MeSH D024741, MONDO:0024573. Inheritance: Various modes of inheritance.
Hypertrophic cardiomyopathy 25 (CMH25). Also called: CARDIOMYOPATHY, FAMILIAL HYPERTROPHIC, 25. Identifiers: MedGen C4225408, MONDO:0011843, OMIM 607487.

Allele frequency attached by ClinVar (database versions not stated): gnomAD exomes below 0.00001; TOPMed 0.00001.

Submissions (2):

Labcorp Genetics (formerly Invitae), Labcorp
Classification: Uncertain significance for Hypertrophic cardiomyopathy 25; Primary familial hypertrophic cardiomyopathy. Last evaluated: 2024-09-23. Review status: criteria provided, single submitter. Criteria: Invitae Variant Classification Sherloc (09022015). Collection method: clinical testing. Allele origin: germline.
Comment: This sequence change replaces glutamic acid, which is acidic and polar, with glycine, which is neutral and non-polar, at codon 36 of the TCAP protein (p.Glu36Gly). This variant is present in population databases (no rsID available, gnomAD 0.01%). This variant has not been reported in the literature in individuals affected with TCAP-related conditions. ClinVar contains an entry for this variant (Variation ID: 2625121). An algorithm developed to predict the effect of missense changes on protein structure and function (PolyPhen-2) suggests that this variant is likely to be disruptive. Algorithms developed to predict the effect of sequence changes on RNA splicing suggest that this variant may disrupt the consensus splice site. In summary, the available evidence is currently insufficient to determine the role of this variant in disease. Therefore, it has been classified as a Variant of Uncertain Significance.

Ambry Genetics
Classification: Uncertain significance for Cardiovascular phenotype. Last evaluated: 2023-07-29. Review status: criteria provided, single submitter. Criteria: Ambry Variant Classification Scheme 2023. Collection method: clinical testing. Allele origin: germline.
Comment: The p.E36G variant (also known as c.107A>G), located in coding exon 1 of the TCAP gene, results from an A to G substitution at nucleotide position 107. The glutamic acid at codon 36 is replaced by glycine, an amino acid with similar properties. This amino acid position is conserved. In addition, the in silico prediction for this alteration is inconclusive. Since supporting evidence is limited at this time, the clinical significance of this alteration remains unclear.

NM_003673.4(TCAP):c.107A>G (p.Glu36Gly)

Gene: TCAP (titin-cap; plus strand). Cytogenetic location: 17q12.
Variant type: single nucleotide variant.
Coding change: c.107A>G on transcript NM_003673.4 (MANE Select); coding-DNA position 107, A replaced by G.
Protein change: p.Glu36Gly; replaces glutamic acid 36 with glycine.
Molecular consequence: missense variant.
Genome position (GRCh38, 1-based): chr17:39,665,466, A>G. VCF-style: chr17-39665466-A-G. GRCh37 (hg19) VCF-style: chr17-37821719-A-G.
Other names: short protein forms E36G.
Identifiers: ClinVar variation 2625121 (VCV002625121.4), dbSNP rs971087001, ClinGen allele CA290433766.
Genomic context (GRCh38, chr17:39,665,466, plus strand): 5'-AGCGCCGGGAGGCCTTCTGGGCAGAATGGAAGGATCTGACACTGTCCACACGGCCCGAGG[A>G]GGGGTGAGTGTGGGTCTGCTAGAGCCCTGCCTCTGCTCCCCCAGAGCACCCTCACTGAGC-3'
Protein context (NP_003664.1, residues 26-46): KDLTLSTRPE[Glu36Gly]GCSLHEEDTQ